The following is an entry in ClinVar:

NM_177438.3(DICER1):c.1532_1533del (p.His511fs)

Gene: DICER1 (dicer 1, ribonuclease III; minus strand). Cytogenetic location: 14q32.13.
Variant type: Deletion.
Coding change: c.1532_1533del on transcript NM_177438.3 (MANE Select); coding-DNA positions 1532 to 1533, 2 bases deleted (AT; older notation c.1532_1533delAT).
Protein change: p.His511fs; shifts the reading frame from histidine 511.
Molecular consequence: frameshift variant.
Genome position (GRCh38, 1-based): chr14:95,116,672-95,116,673, AT deleted on the plus strand (AT on the coding strand, the reverse complement: DICER1 is on the minus strand). VCF-style (leftmost placement, unchanged base first): chr14-95116671-CAT-C. GRCh37 (hg19) VCF-style: chr14-95583008-CAT-C.
Other names: c.1532_1533del, p.His511fs (NM_001195573.1, NM_001271282.3, NM_001291628.2 and 1 more transcripts); short protein forms H511fs.
Identifiers: ClinVar variation 819478 (VCV000819478.7), dbSNP rs1595411687, ClinGen allele CA915946413.

ClinVar aggregate classification (germline): Pathogenic. Review status: criteria provided, multiple submitters, no conflicts (2 of 4 stars). 2 submissions from 2 submitters: Pathogenic (2). Last evaluated 2019-07-01.

Conditions:
DICER1-related tumor predisposition. Also called: DICER1-related pleuropulmonary blastoma cancer predisposition syndrome; DICER1 syndrome. Identifiers: Orphanet 284343, MedGen C3839822, MONDO:0100216.
Hereditary cancer-predisposing syndrome. Also called: Hereditary Cancer Syndrome; Neoplastic Syndromes, Hereditary; Hereditary neoplastic syndrome; Tumor predisposition. Identifiers: Orphanet 140162, MedGen C0027672, MeSH D009386, MONDO:0015356.

Submissions (2):

Foulkes Cancer Genetics LDI, Lady Davis Institute for Medical Research
Classification: Pathogenic for Pleuropulmonary blastoma. Last evaluated: 2019-07-01. Review status: criteria provided, single submitter. Criteria: ACMG Guidelines, 2015. Collection method: curation. Allele origin: germline. Affected: yes. Observed: 3 variant alleles.
Comment: ACMG criteria met: PVS1, PM2, PM7, PP4

Ambry Genetics
Classification: Pathogenic for Hereditary cancer-predisposing syndrome. Last evaluated: 2019-01-17. Review status: criteria provided, single submitter. Criteria: Ambry Variant Classification Scheme 2023. Collection method: clinical testing. Allele origin: germline.
Comment: The c.1532_1533delAT pathogenic mutation, located in coding exon 9 of the DICER1 gene, results from a deletion of two nucleotides at nucleotide positions 1532 to 1533, causing a translational frameshift with a predicted alternate stop codon (p.H511Rfs*16). This alteration is expected to result in loss of function by premature protein truncation or nonsense-mediated mRNA decay. As such, this alteration is interpreted as a disease-causing mutation.

Literature cited by the submitters: PubMed 28654427 (cited by Foulkes Cancer Genetics LDI, Lady Davis Institute for Medical Research).